The following is an entry in ClinVar:

NM_001844.5(COL2A1):c.326del (p.Pro109fs)

Gene: COL2A1 (collagen type II alpha 1 chain; minus strand). Cytogenetic location: 12q13.11.
Variant type: Deletion.
Coding change: c.326del on transcript NM_001844.5 (MANE Select); coding-DNA position 326, one base deleted (C; older notation c.326delC).
Protein change: p.Pro109fs; shifts the reading frame from proline 109.
Molecular consequence: frameshift variant.
Genome position (GRCh38, 1-based): chr12:47,998,185, G deleted on the plus strand (C on the coding strand, the reverse complement: COL2A1 is on the minus strand); the first of 2 consecutive G bases (chr12:47,998,185-47,998,186); deleting either gives the same sequence. VCF-style (leftmost placement, unchanged base first): chr12-47998184-AG-A. GRCh37 (hg19) VCF-style: chr12-48391967-AG-A.
Other names: c.119del, p.Pro40fs (NM_033150.3); short protein forms P40fs, P109fs.
Identifiers: ClinVar variation 5000536 (VCV005000536.1).
Genomic context (GRCh38, chr12:47,998,184, plus strand): 5'-TTAGAGCAGCAGCTGCAATACCGGGTGAGAATAATTTGCACTTACATCCTTGATGTCTCC[AG>A]GTTCTCCTTTCTGTCCCTGAAACATGAAACATTCACAGGATTAAGCCGAGTAAGCCCACT-3'

ClinVar aggregate classification (germline): Likely pathogenic (1 of 4 stars; one submission).

Conditions:
COL2A1-related disorder. Also called: COL2A1-related condition; COL2A1-related disorders.

Submission:

PreventionGenetics, part of Exact Sciences
Classification: Likely pathogenic for COL2A1-related condition. Last evaluated: 2024-12-04. Review status: criteria provided, single submitter. Criteria: ACMG Guidelines, 2015. Collection method: clinical testing. Allele origin: germline.
Comment: The COL2A1 c.326delC variant is predicted to result in a frameshift and premature protein termination (p.Pro109Leufs*8). To our knowledge, this variant has not been reported in the literature or in a large population database (gnomAD), indicating this variant is rare. Frameshift variants in COL2A1 are expected to be pathogenic. This variant is interpreted as likely pathogenic.